The following is an entry in ClinVar:

ClinVar aggregate classification (germline): Conflicting classifications of pathogenicity. Review status: criteria provided, conflicting classifications (1 of 4 stars). 3 submissions from 3 submitters: Uncertain significance (1); Likely benign (1). 1 of the submissions does not count toward it. Last evaluated 2025-07-15.

Conditions:
Cardiovascular phenotype. Identifiers: MedGen CN230736.
Duchenne muscular dystrophy (DMD). Also called: MUSCULAR DYSTROPHY, PSEUDOHYPERTROPHIC PROGRESSIVE, DUCHENNE TYPE; Duchenne Muscular Dystrophy (DMD). Identifiers: Orphanet 98896, MedGen C0013264, MONDO:0010679, OMIM 310200.
Dystrophin deficiency.
Becker muscular dystrophy (BMD). Also called: MUSCULAR DYSTROPHY, PSEUDOHYPERTROPHIC PROGRESSIVE, BECKER TYPE; Becker Muscular Dystrophy (BMD). Identifiers: Orphanet 98895, MedGen C0917713, MONDO:0010311, OMIM 300376.
Cardiomyopathy (CMYO). Also called: Cardiomyopathies. Identifiers: Orphanet 167848, MedGen C0878544, MONDO:0004994, HP:0001638. Inheritance: Various modes of inheritance.

Allele frequency attached by ClinVar (database versions not stated): gnomAD exomes 0.00001 and 0.00002; ExAC 0.00002; gnomAD 0.00008 and 0.00009; TOPMed 0.00008; ESP Exome Variant Server 0.00010; 1000 Genomes Project 0.00026; 1000 Genomes Project 30x 0.00042.

Submissions (3):

Labcorp Genetics (formerly Invitae), Labcorp
Classification: Uncertain significance for Duchenne muscular dystrophy. Last evaluated: 2025-07-15. Review status: criteria provided, single submitter. Criteria: Invitae Variant Classification Sherloc (09022015). Collection method: clinical testing. Allele origin: germline.
Comment: This sequence change falls in intron 9 of the DMD gene. It does not directly change the encoded amino acid sequence of the DMD protein. It affects a nucleotide within the consensus splice site. This variant is present in population databases (rs759592382, gnomAD 0.02%). This variant has not been reported in the literature in individuals affected with DMD-related conditions. ClinVar contains an entry for this variant (Variation ID: 1003878). Variants that disrupt the consensus splice site are a relatively common cause of aberrant splicing (PMID: 17576681, 9536098). Algorithms developed to predict the effect of sequence changes on RNA splicing suggest that this variant is not likely to affect RNA splicing. In summary, the available evidence is currently insufficient to determine the role of this variant in disease. Therefore, it has been classified as a Variant of Uncertain Significance.

Ambry Genetics
Classification: Likely benign for Cardiovascular phenotype. Last evaluated: 2025-07-11. Review status: criteria provided, single submitter. Criteria: Ambry Variant Classification Scheme 2023. Collection method: clinical testing. Allele origin: germline.

Natera, Inc.
Classification: Uncertain significance for Becker muscular dystrophy; Cardiomyopathy; Duchenne muscular dystrophy; Dystrophin deficiency. Last evaluated: 2020-04-25. Review status: no assertion criteria provided. Collection method: clinical testing. Allele origin: germline. Not counted in ClinVar's aggregate classification.

Literature cited by the submitters: PubMed 17576681 (cited by Labcorp Genetics (formerly Invitae), Labcorp); PubMed 9536098 (cited by Labcorp Genetics (formerly Invitae), Labcorp).

NM_004006.3(DMD):c.961-4del

Gene: DMD (dystrophin; minus strand). Cytogenetic location: Xp21.1.
Variant type: Deletion.
Coding change: c.961-4del on transcript NM_004006.3 (MANE Select); 4 bases into the intron before coding-DNA position 961, one base deleted (G; older notation c.961-4delG).
Molecular consequence: intron variant.
Genome position (GRCh38, 1-based): chrX:32,645,156, C deleted on the plus strand (G on the coding strand, the reverse complement: DMD is on the minus strand). VCF-style (leftmost placement, unchanged base first): chrX-32645155-GC-G. GRCh37 (hg19) VCF-style: chrX-32663272-GC-G.
Other names: c.937-4del (NM_000109.4); c.949-4del (NM_004009.3); c.592-4del (NM_004010.3); c.961-4delG (NM_004006.2).
Identifiers: ClinVar variation 1003878 (VCV001003878.10), dbSNP rs759592382, ClinGen allele CA10379993.
Genomic context (GRCh38, chrX:32,645,155, plus strand): 5'-TTACTTCACTCTCCATCAATGAACTGCCAAATGACTTGTCTTCAGGAGCTTCCAAATGCT[GC>G]ACAATAAAATAAATTGGGTGTTACACAATTAATGTCTTTGCAGATTGTTCCAGTACATTA-3'